The following is an entry in ClinVar:

NM_052867.4(NALCN):c.1076G>A (p.Trp359Ter)

Gene: NALCN (sodium leak channel, non-selective; minus strand). Cytogenetic location: 13q33.1.
Variant type: single nucleotide variant.
Coding change: c.1076G>A on transcript NM_052867.4 (MANE Select); coding-DNA position 1076, G replaced by A.
Protein change: p.Trp359Ter; replaces tryptophan 359 with a stop codon.
Molecular consequence: nonsense. On other transcripts: intron variant (2).
Genome position (GRCh38, 1-based): chr13:101,283,991, C>T on the plus strand (G>A on the coding strand, the complement: NALCN is on the minus strand). VCF-style: chr13-101283991-C-T. GRCh37 (hg19) VCF-style: chr13-101936342-C-T.
Other names: c.1076G>A, p.Trp359Ter (NM_001350748.2, NM_001350749.2); c.1047+7999G>A (NM_001350751.2, NM_001350750.2); short protein forms W359*.
Identifiers: ClinVar variation 3896116 (VCV003896116.1).

ClinVar aggregate classification (germline): Pathogenic (1 of 4 stars; one submission).

Conditions:
Congenital contractures of the limbs and face, hypotonia, and developmental delay (CLIFAHDD). Identifiers: Orphanet 562528, MedGen C4225398, MONDO:0014556, OMIM 616266.

gnomAD v4.1: 1 of 1,613,570 alleles (0.000062%); highest among the groups gnomAD compares: Non-Finnish European, 0.000085%; no homozygotes.

Submission:

Women's Health and Genetics/Laboratory Corporation of America, LabCorp
Classification: Pathogenic for Congenital contractures of the limbs and face, hypotonia, and developmental delay. Last evaluated: 2025-03-18. Review status: criteria provided, single submitter. Criteria: LabCorp Variant Classification Summary - May 2015. Collection method: clinical testing. Allele origin: germline.
Comment: Variant summary: NALCN c.1076G>A (p.Trp359X) results in a premature termination codon, predicted to cause a truncation of the encoded protein or absence of the protein due to nonsense mediated decay, which are commonly known mechanisms for disease. The frequency data for this variant in gnomAD is considered unreliable, as metrics indicate poor data quality at this position. To our knowledge, no occurrence of c.1076G>A in individuals affected with Congenital Contractures Of The Limbs And Face, Hypotonia, And Developmental Delay and no experimental evidence demonstrating its impact on protein function have been reported. No submitters have cited clinical-significance assessments for this variant to ClinVar. Based on the evidence outlined above, the variant was classified as pathogenic.